The following is an entry in ClinVar:

NM_001042492.3(NF1):c.7078T>G (p.Phe2360Val)

Gene: NF1 (neurofibromin 1; plus strand). Cytogenetic location: 17q11.2.
Variant type: single nucleotide variant.
Coding change: c.7078T>G on transcript NM_001042492.3 (MANE Select); coding-DNA position 7078, T replaced by G.
Protein change: p.Phe2360Val; replaces phenylalanine 2360 with valine.
Molecular consequence: missense variant.
Genome position (GRCh38, 1-based): chr17:31,343,024, T>G. VCF-style: chr17-31343024-T-G. GRCh37 (hg19) VCF-style: chr17-29670042-T-G.
Other names: c.7015T>G, p.Phe2339Val (NM_000267.4); short protein forms F2339V, F2360V.
Identifiers: ClinVar variation 947220 (VCV000947220.14), dbSNP rs2069866148, ClinGen allele CA399015534.

ClinVar aggregate classification (germline): Uncertain significance. Review status: criteria provided, multiple submitters, no conflicts (2 of 4 stars). 5 submissions from 5 submitters: Uncertain significance (5). Last evaluated 2025-03-13.

Conditions:
Neurofibromatosis, type 1 (NF1). Also called: Peripheral type neurofibromatosis; Neurofibromatosis, type I; VON RECKLINGHAUSEN DISEASE; NEUROFIBROMATOSIS, TYPE I, SOMATIC. Identifiers: Orphanet 636, MedGen C0027831, MONDO:0018975, OMIM 162200. Disease mechanism: loss of function.
Hereditary cancer-predisposing syndrome. Also called: Neoplastic Syndromes, Hereditary; Hereditary neoplastic syndrome; Hereditary Cancer Syndrome; Tumor predisposition. Identifiers: Orphanet 140162, MedGen C0027672, MeSH D009386, MONDO:0015356.
Cardiovascular phenotype. Identifiers: MedGen CN230736.

Submissions (5):

Labcorp Genetics (formerly Invitae), Labcorp
Classification: Uncertain significance for Neurofibromatosis, type 1. Last evaluated: 2025-03-13. Review status: criteria provided, single submitter. Criteria: Invitae Variant Classification Sherloc (09022015). Collection method: clinical testing. Allele origin: germline.
Comment: This sequence change replaces phenylalanine, which is neutral and non-polar, with valine, which is neutral and non-polar, at codon 2339 of the NF1 protein (p.Phe2339Val). This variant is not present in population databases (gnomAD no frequency). This variant has not been reported in the literature in individuals affected with NF1-related conditions. ClinVar contains an entry for this variant (Variation ID: 947220). Invitae Evidence Modeling of protein sequence and biophysical properties (such as structural, functional, and spatial information, amino acid conservation, physicochemical variation, residue mobility, and thermodynamic stability) has been performed for this missense variant. However, the output from this modeling did not meet the statistical confidence thresholds required to predict the impact of this variant on NF1 protein function. In summary, the available evidence is currently insufficient to determine the role of this variant in disease. Therefore, it has been classified as a Variant of Uncertain Significance.

Ambry Genetics
Classification: Uncertain significance for Cardiovascular phenotype; Hereditary cancer-predisposing syndrome. Last evaluated: 2023-01-07. Review status: criteria provided, single submitter. Criteria: Ambry Variant Classification Scheme 2023. Collection method: clinical testing. Allele origin: germline.
Comment: The p.F2339V variant (also known as c.7015T>G), located in coding exon 47 of the NF1 gene, results from a T to G substitution at nucleotide position 7015. The phenylalanine at codon 2339 is replaced by valine, an amino acid with highly similar properties. This amino acid position is conserved. In addition, the in silico prediction for this alteration is inconclusive. Since supporting evidence is limited at this time, the clinical significance of this alteration remains unclear.

GeneDx
Classification: Uncertain significance. Last evaluated: 2022-08-10. Review status: criteria provided, single submitter. Criteria: GeneDx Variant Classification Process June 2021. Collection method: clinical testing. Allele origin: germline. Affected: yes.
Comment: Not observed at significant frequency in large population cohorts (gnomAD); In silico analysis supports that this missense variant does not alter protein structure/function; Has not been previously published as pathogenic or benign to our knowledge; This variant is associated with the following publications: (PMID: 25486365)

Genome-Nilou Lab
Classification: Uncertain significance for Neurofibromatosis, type 1. Last evaluated: 2022-03-15. Review status: criteria provided, single submitter. Criteria: ACMG Guidelines, 2015. Collection method: clinical testing. Allele origin: germline. Affected: no.

Genetic Services Laboratory, University of Chicago
Classification: Uncertain significance. Last evaluated: 2020-05-27. Review status: criteria provided, single submitter. Criteria: ACMG Guidelines, 2015. Collection method: clinical testing. Allele origin: germline. Affected: no.
Comment: DNA sequence analysis of the NF1 gene demonstrated a sequence change, c.7015T>G, in exon 47 that results in an amino acid change, p.Phe2339Val. This sequence change does not appear to have been previously described in patients with NF1-related disorders and has also not been described in population databases. The p.Phe2339Val change affects a moderately conserved amino acid residue located in a domain of the NF1 protein that is known to be functional. In silico pathogenicity prediction tools (SIFT, PolyPhen2, Align GVGD, REVEL) provide contradictory results for the p.Phe2339Val substitution. Due to these contrasting evidences and the lack of functional studies, the clinical significance of the p.Phe2339Val change remains unknown at this time.